The following is an entry in ClinVar:

ClinVar aggregate classification (germline): Likely benign (1 of 4 stars; one submission).

Allele frequency attached by ClinVar (database versions not stated): 1000 Genomes Project 30x 0.00016; 1000 Genomes Project 0.00020; ESP Exome Variant Server 0.00038; ExAC 0.00101; gnomAD 0.00129.
gnomAD v4.1: 1,143 of 1,614,198 alleles (0.071%); highest among the groups gnomAD compares: Non-Finnish European, 0.051%; 5 homozygotes.

Submission:

CeGaT Center for Human Genetics Tuebingen
Classification: Likely benign. Last evaluated: 2023-03-01. Review status: criteria provided, single submitter. Criteria: CeGaT Center For Human Genetics Tuebingen Variant Classification Criteria Version 2. Collection method: clinical testing. Allele origin: germline. Affected: yes. Observed: 2 variant alleles.
Comment: TLN2: BP4, BP7

NM_015059.3(TLN2):c.7158C>T (p.Asp2386=)

Genes: TLN2 (talin 2; plus strand), TLN2-AS3 (TLN2 antisense RNA 3; minus strand), LOC126862153 (CDK7 strongly-dependent group 2 enhancer GRCh37_chr15:63126856-63128055; plus strand). Cytogenetic location: 15q22.2.
Variant type: single nucleotide variant.
Coding change: c.7158C>T on transcript NM_015059.3 (MANE Select); coding-DNA position 7158, C replaced by T.
Protein change: p.Asp2386=; no amino-acid change (aspartic acid 2386 retained).
Molecular consequence: synonymous variant.
Genome position (GRCh38, 1-based): chr15:62,835,766, C>T. VCF-style: chr15-62835766-C-T. GRCh37 (hg19) VCF-style: chr15-63127965-C-T.
Other names: c.7158C>T, p.Asp2386= (NM_001394547.1).
Identifiers: ClinVar variation 2645421 (VCV002645421.24), dbSNP rs139730009, ClinGen allele CA7600972.
Genomic context (GRCh38, chr15:62,835,766, plus strand): 5'-TCATGGCCAATTTCTCGACTCTACTCTCTAGGTGGGCTCCATCCCTGCCAATGCTGCAGA[C>T]GACGGACAGTGGTCACAGGGGCTGATTTCTGCTGTGAGTTGCCTTCTCCTTCCTCCCAGT-3'
Protein context (NP_055874.2, residues 2376-2396): KVGSIPANAA[Asp2386=]DGQWSQGLIS